The following is an entry in ClinVar:

NM_014287.4(NOMO1):c.312C>T (p.Thr104=)

Gene: NOMO1 (NODAL modulator 1). Cytogenetic location: 16p13.11.
Variant type: single nucleotide variant.
Coding change: c.312C>T on transcript NM_014287.4 (MANE Select); coding-DNA position 312, C replaced by T.
Protein change: p.Thr104=; no amino-acid change (threonine 104 retained).
Molecular consequence: synonymous variant.
Genome position (GRCh38, 1-based): chr16:14,844,684, C>T. VCF-style: chr16-14844684-C-T. GRCh37 (hg19) VCF-style: chr16-14938541-C-T.
Identifiers: ClinVar variation 3905279 (VCV003905279.10).

ClinVar aggregate classification (germline): Likely benign (1 of 4 stars; one submission).

Submission:

CeGaT Center for Human Genetics Tuebingen
Classification: Likely benign. Last evaluated: 2025-06-01. Review status: criteria provided, single submitter. Criteria: CeGaT Center For Human Genetics Tuebingen Variant Classification Criteria Version 2. Collection method: clinical testing. Allele origin: germline. Affected: yes. Observed: 1 variant allele.
Comment: NOMO1: BP4, BP7